The following is an entry in ClinVar:

NM_000443.4(ABCB4):c.2362C>T (p.Arg788Trp)

Gene: ABCB4 (ATP binding cassette subfamily B member 4; minus strand). Cytogenetic location: 7q21.12.
Variant type: single nucleotide variant.
Coding change: c.2362C>T on transcript NM_000443.4 (MANE Select); coding-DNA position 2362, C replaced by T.
Protein change: p.Arg788Trp; replaces arginine 788 with tryptophan.
Molecular consequence: missense variant.
Genome position (GRCh38, 1-based): chr7:87,420,030, G>A on the plus strand (C>T on the coding strand, the complement: ABCB4 is on the minus strand). VCF-style: chr7-87420030-G-A. GRCh37 (hg19) VCF-style: chr7-87049346-G-A.
Other names: c.2362C>T (NM_000443.3); c.2362C>T, p.Arg788Trp (NM_018849.3, NM_018850.3); short protein forms R788W.
Identifiers: ClinVar variation 4709510 (VCV004709510.3).

ClinVar aggregate classification (germline): Uncertain significance. Review status: criteria provided, multiple submitters, no conflicts (2 of 4 stars). 4 submissions from 4 submitters: Uncertain significance (4). Last evaluated 2026-04-14.

Conditions:
Familial intrahepatic cholestasis. Identifiers: Orphanet 284385, MedGen CN296401, MONDO:0017290.
ABCB4-related disorder. Also called: ABCB4-related disorders; ABCB4-related condition.

gnomAD v4.1: 4 of 1,614,088 alleles (0.00025%); highest among the groups gnomAD compares: South Asian, 0.0011%; no homozygotes.

Submissions (4):

Genomenon, Inc
Classification: Uncertain significance for Familial intrahepatic cholestasis. Last evaluated: 2026-04-14. Review status: criteria provided, single submitter. Criteria: Genomenon Sequence Variant Interpretation Standards - Updated. Collection method: curation. Allele origin: germline. Affected: yes.
Comment: ABCB4 p.Arg788Trp (c.2362C>T) is a missense variant that changes the amino acid at residue 788 from Arginine to Tryptophan. This variant has been observed in at least one proband with an ABCB4-related disorder (PMID:29390323;18781607). The variant was found to segregate with disease in at least one affected family (PMID:18781607). It is absent or not present at a significant frequency in gnomAD. In conclusion, we classify ABCB4 p.Arg788Trp (c.2362C>T) as a variant of uncertain significance.

Women's Health and Genetics/Laboratory Corporation of America, LabCorp
Classification: Uncertain significance. Last evaluated: 2026-03-05. Review status: criteria provided, single submitter. Criteria: LabCorp Variant Classification Summary - May 2015. Collection method: clinical testing. Allele origin: germline.
Comment: Variant summary: ABCB4 c.2362C>T (p.Arg788Trp) results in a non-conservative amino acid change in the encoded protein sequence. Algorithms developed to predict the effect of missense changes on protein structure and function all suggest that this variant is likely to be disruptive. The variant allele was found at a frequency of 4e-06 in 251234 control chromosomes (gnomAD). c.2362C>T has been observed in multiple individuals affected with clinical features of Progressive Familial Intrahepatic Cholestasis or cholestatic liver disease in the homozygous or compound heterozygous state (e.g. Gorrhardt_2008, Xiang_2017, Weng_2025), however in at least 1 family, this variant showed markedly diverse age of onset and severity even among homozygous siblings (example, Gorrhardt_2008) whose phenotypic features were insufficient for a diagnosis of PFIC. These data indicate that the variant may be associated with disease. At least one publication reports experimental evidence evaluating an impact on protein function. These results showed no significant decrease in phospholipid secretion in vitro and near-WT expression levels (Weng_2025). The following publications have been ascertained in the context of this evaluation (PMID: 18781607, 29390323, 40248383, 37787087, 21638239, 33070363, 32626542, 20042859, 25260651, 39521930, 39262913, 33390354, 28587926, 40110281, 31335238). ClinVar contains an entry for this variant (Variation ID: 4709510). Based on the evidence outlined above, the variant was classified as VUS-possibly pathogenic.

PreventionGenetics, part of Exact Sciences
Classification: Uncertain significance for ABCB4-related condition. Last evaluated: 2026-02-20. Review status: criteria provided, single submitter. Criteria: ACMG Guidelines, 2015. Collection method: clinical testing. Allele origin: germline.
Comment: The ABCB4 c.2362C>T variant is predicted to result in the amino acid substitution p.Arg788Trp. This variant has been reported in the homozygous state in multiple individuals from a family with progressive familial intrahepatic cholestasis (PFIC) who presented with cholestatic cirrhosis in early childhood or progressive cholestatic liver failure in adulthood; the majority of heterozygous individuals in this family were noted to have choleilthiasis and/or intrahepatic cholestasis of pregnancy (ICP) indicating milder liver disease (Gotthardt et al. 2008. PubMed ID: 18781607). This variant has also been reported in the compound heterozyous state in an individual with PFIC and in a sibling whose affected status is unknown (Xiang et al. 2017. PubMed ID: 29390323), along with other ABCB4 variants in individuals with cholestatic liver disease (Weng et al. 2025. PubMed ID: 40248383), and in an individual with PFIC who had additional variants in both the ABCB11 and ABCB4 genes (Mitra et al. 2019. PubMed ID: 31335238). In vitro experimental studies are not conclusive regarding the impact of this variant on protein function (Weng et al. 2025. PubMed ID: 40248383). This variant is reported in 0.0011% of alleles in individuals of South Asian descent in gnomAD v4. Although we suspect that this variant may be pathogenic, at this time, the clinical significance of this variant is uncertain due to the absence of conclusive functional and genetic evidence.

Labcorp Genetics (formerly Invitae), Labcorp
Classification: Uncertain significance. Last evaluated: 2025-04-15. Review status: criteria provided, single submitter. Criteria: Invitae Variant Classification Sherloc (09022015). Collection method: clinical testing. Allele origin: germline.
Comment: This sequence change replaces arginine, which is basic and polar, with tryptophan, which is neutral and slightly polar, at codon 788 of the ABCB4 protein (p.Arg788Trp). This variant is present in population databases (no rsID available, gnomAD no frequency). This missense change has been observed in individual(s) with clinical features of progressive familial intrahepatic cholestasis (PMID: 18781607, 29390323, 31335238). Invitae Evidence Modeling of protein sequence and biophysical properties (such as structural, functional, and spatial information, amino acid conservation, physicochemical variation, residue mobility, and thermodynamic stability) indicates that this missense variant is expected to disrupt ABCB4 protein function with a positive predictive value of 80%. In summary, the available evidence is currently insufficient to determine the role of this variant in disease. Therefore, it has been classified as a Variant of Uncertain Significance.

Literature cited by the submitters: PubMed 29390323 (cited by 3 submitters); PubMed 18781607 (cited by 3 submitters); PubMed 33390354 (cited by Women's Health and Genetics/Laboratory Corporation of America, LabCorp); PubMed 28587926 (cited by Women's Health and Genetics/Laboratory Corporation of America, LabCorp); PubMed 32626542 (cited by Women's Health and Genetics/Laboratory Corporation of America, LabCorp); PubMed 39521930 (cited by Women's Health and Genetics/Laboratory Corporation of America, LabCorp); PubMed 40110281 (cited by Women's Health and Genetics/Laboratory Corporation of America, LabCorp); PubMed 25260651 (cited by Women's Health and Genetics/Laboratory Corporation of America, LabCorp); PubMed 31335238 (cited by Women's Health and Genetics/Laboratory Corporation of America, LabCorp and Labcorp Genetics (formerly Invitae), Labcorp); PubMed 39262913 (cited by Women's Health and Genetics/Laboratory Corporation of America, LabCorp); PubMed 20042859 (cited by Women's Health and Genetics/Laboratory Corporation of America, LabCorp); PubMed 33070363 (cited by Women's Health and Genetics/Laboratory Corporation of America, LabCorp); PubMed 21638239 (cited by Women's Health and Genetics/Laboratory Corporation of America, LabCorp); PubMed 37787087 (cited by Women's Health and Genetics/Laboratory Corporation of America, LabCorp); PubMed 40248383 (cited by Women's Health and Genetics/Laboratory Corporation of America, LabCorp).